The following is an entry in ClinVar:

ClinVar aggregate classification (germline): Likely benign (1 of 4 stars; one submission).

Allele frequency attached by ClinVar (database versions not stated): gnomAD exomes 0.00001; TOPMed 0.00002.
gnomAD v4.1: 3 of 1,613,994 alleles (0.00019%); highest among the groups gnomAD compares: East Asian, 0.0022%; no homozygotes.

Submission:

CeGaT Center for Human Genetics Tuebingen
Classification: Likely benign. Last evaluated: 2023-08-01. Review status: criteria provided, single submitter. Criteria: CeGaT Center For Human Genetics Tuebingen Variant Classification Criteria Version 2. Collection method: clinical testing. Allele origin: germline. Affected: yes. Observed: 1 variant allele.
Comment: ZNF780A: PM2:Supporting, BP4, BP7

NM_001142578.2(ZNF780A):c.1683A>G (p.Glu561=)

Gene: ZNF780A (zinc finger protein 780A; minus strand). Cytogenetic location: 19q13.2.
Variant type: single nucleotide variant.
Coding change: c.1683A>G on transcript NM_001142578.2 (MANE Select); coding-DNA position 1683, A replaced by G.
Protein change: p.Glu561=; no amino-acid change (glutamic acid 561 retained).
Molecular consequence: synonymous variant. On other transcripts: intron variant (1).
Genome position (GRCh38, 1-based): chr19:40,074,759, T>C on the plus strand (A>G on the coding strand, the complement: ZNF780A is on the minus strand). VCF-style: chr19-40074759-T-C. GRCh37 (hg19) VCF-style: chr19-40580666-T-C.
Other names: c.1683A>G, p.Glu561= (NM_001010880.3); c.1686A>G, p.Glu562= (NM_001142577.2); c.354+1377A>G (NM_001142579.2).
Identifiers: ClinVar variation 2649872 (VCV002649872.24), dbSNP rs1452169727, ClinGen allele CA507673292.